The following is an entry in ClinVar:

NM_002471.4(MYH6):c.5662-6C>T

Gene: MYH6 (myosin heavy chain 6; minus strand). Cytogenetic location: 14q11.2.
Variant type: single nucleotide variant.
Coding change: c.5662-6C>T on transcript NM_002471.4 (MANE Select); 6 bases into the intron before coding-DNA position 5662, C replaced by T.
Molecular consequence: intron variant.
Genome position (GRCh38, 1-based): chr14:23,382,568, G>A on the plus strand (C>T on the coding strand, the complement: MYH6 is on the minus strand). VCF-style: chr14-23382568-G-A. GRCh37 (hg19) VCF-style: chr14-23851777-G-A.
Identifiers: ClinVar variation 44538 (VCV000044538.14), dbSNP rs183733802, ClinGen allele CA134481.
Genomic context (GRCh38, chr14:23,382,568, plus strand): 5'-CCAGCTCATGCTGCACCTTGCGGAACTTGGACAGGTTGGTGTTGGCTTGCTCCTCCTGTG[G>A]TGGGACAGTGGGGATGGGTGAATGAGCTGGAGATGGGCTATGGGATTCTCAGCCTCTCAA-3'

ClinVar aggregate classification (germline): Conflicting classifications of pathogenicity. Review status: criteria provided, conflicting classifications (1 of 4 stars). 3 submissions from 3 submitters: Uncertain significance (1); Benign (1); Likely benign (1). Last evaluated 2025-09-15.

Conditions:
Hypertrophic cardiomyopathy 14. Identifiers: MedGen C2750467, MONDO:0013197, OMIM 613251.

Allele frequency attached by ClinVar (database versions not stated): gnomAD 0.00011; TOPMed 0.00011; 1000 Genomes Project 0.00040; 1000 Genomes Project 30x 0.00047.
gnomAD v4.1: 55 of 1,614,188 alleles (0.0034%); highest among the groups gnomAD compares: Admixed American, 0.018%; no homozygotes.

Submissions (3):

Labcorp Genetics (formerly Invitae), Labcorp
Classification: Likely benign for Hypertrophic cardiomyopathy 14. Last evaluated: 2025-09-15. Review status: criteria provided, single submitter. Criteria: Invitae Variant Classification Sherloc (09022015). Collection method: clinical testing. Allele origin: germline.

Women's Health and Genetics/Laboratory Corporation of America, LabCorp
Classification: Benign. Last evaluated: 2025-06-20. Review status: criteria provided, single submitter. Criteria: LabCorp Variant Classification Summary - May 2015. Collection method: clinical testing. Allele origin: germline.

Laboratory for Molecular Medicine, Mass General Brigham Personalized Medicine
Classification: Uncertain significance. Last evaluated: 2013-01-16. Review status: criteria provided, single submitter. Criteria: LMM Criteria. Collection method: clinical testing. Allele origin: germline. Observed: 1 variant allele.
Comment: The 5662-6C>T variant in MYH6 has not been reported in the literature nor previo usly identified by our laboratory. This variant has been identified in 1/8600 Eu ropean American chromosomes by the NHLBI Exome Sequencing Project (.) as well as in 1/192 Luhya chromosomes and 1/110 Puerto Ric an chromosomes from the 1000 Genomes Project (dbSNP rs183733802). This variant i s located in the 3' splice region. Computational tools do not suggest an impact to splicing, though this information is not predictive enough to rule out pathog enicity. In summary, additional information is needed to fully assess the clinic al significance of the 5662-6C>T variant.